The following is an entry in ClinVar:

ClinVar aggregate classification (germline): Pathogenic. Review status: criteria provided, multiple submitters, no conflicts (2 of 4 stars). 7 submissions from 7 submitters: Pathogenic (7). Last evaluated 2026-08-31.

Conditions:
MCCC1-related disorder. Also called: MCCC1-related condition.
3-methylcrotonyl-CoA carboxylase 1 deficiency (MCC1D). Also called: MCC 1 deficiency; 3 Alpha methylcrotonylglycinuria 1; MCCD TYPE 1; METHYLCROTONYLGLYCINURIA TYPE I. Identifiers: Orphanet 6, MedGen CN028786, MONDO:0008861, OMIM 210200.

Allele frequency attached by ClinVar (database versions not stated): TOPMed 0.00001.
gnomAD v4.1: 10 of 1,613,984 alleles (0.00062%); highest among the groups gnomAD compares: Non-Finnish European, 0.00085%; no homozygotes.

Submissions (7):

PreventionGenetics, part of Exact Sciences
Classification: Pathogenic for MCCC1-related condition. Last evaluated: 2026-08-31. Review status: criteria provided, single submitter. Criteria: ACMG Guidelines, 2015. Collection method: clinical testing. Allele origin: germline.
Comment: The MCCC1 c.945T>A variant is predicted to result in premature protein termination (p.Tyr315*). This variant was reported in an individual with 3-methylcrotonyl-CoA carboxylase deficiency (Stadler et al. 2006. PubMed ID: 16835865). This variant is reported in 0.0026% of alleles in individuals of European (Non-Finnish) descent in gnomAD. Nonsense variants in MCCC1 are expected to be pathogenic. This variant is interpreted as pathogenic.

Natera, Inc.
Classification: Pathogenic for 3-methylcrotonyl-CoA carboxylase 1 deficiency. Last evaluated: 2024-12-30. Review status: criteria provided, single submitter. Criteria: Natera Variant Classification Schema (03/2026). Collection method: clinical testing. Allele origin: germline.
Comment: The c.945T>A variant in MCCC1 is a nonsense variant predicted to introduce a stop codon at amino acid 315. This variant is expected to result in nonsense mediated decay, truncation, or a dysfunctional protein product. This variant is rare in the general population with a frequency below the threshold expected for the associated phenotype(s). This variant has been observed in one or more individuals affected with the associated recessive disease, as either homozygous or compound heterozygous with a second variant (PMID: 16835865). Given the available evidence, this variant is classified as Pathogenic.

Labcorp Genetics (formerly Invitae), Labcorp
Classification: Pathogenic for 3-methylcrotonyl-CoA carboxylase 1 deficiency. Last evaluated: 2024-05-24. Review status: criteria provided, single submitter. Criteria: Invitae Variant Classification Sherloc (09022015). Collection method: clinical testing. Allele origin: germline.
Comment: This sequence change creates a premature translational stop signal (p.Tyr315*) in the MCCC1 gene. It is expected to result in an absent or disrupted protein product. Loss-of-function variants in MCCC1 are known to be pathogenic (PMID: 11181649, 15359379, 22642865). This variant is present in population databases (rs150862707, gnomAD 0.002%). This premature translational stop signal has been observed in individual(s) with 3 methylcrotonyl-CoA carboxylase deficiency (PMID: 16835865). ClinVar contains an entry for this variant (Variation ID: 488806). For these reasons, this variant has been classified as Pathogenic.

Baylor Genetics
Classification: Pathogenic for 3-methylcrotonyl-CoA carboxylase 1 deficiency. Last evaluated: 2024-03-26. Review status: criteria provided, single submitter. Criteria: ACMG Guidelines, 2015. Collection method: clinical testing. Allele origin: unknown.

Fulgent Genetics
Classification: Pathogenic for 3-methylcrotonyl-CoA carboxylase 1 deficiency. Last evaluated: 2018-10-31. Review status: criteria provided, single submitter. Criteria: ACMG Guidelines, 2015. Collection method: clinical testing. Allele origin: unknown.

GeneDx
Classification: Pathogenic. Last evaluated: 2017-11-14. Review status: criteria provided, single submitter. Criteria: GeneDx Variant Classification (06012015). Collection method: clinical testing. Allele origin: germline. Affected: yes.
Comment: The Y315X variant has been reported in an individual with 3-methylcrotonyl-CoA carboxylase (3-MCC) deficiency who also harbored another pathogenic nonsense variant in the MCCC1 gene (Stadler et al. 2006). The Y315X variant is not observed at a significant frequency in large population cohorts (Lek et al., 2016). This variant is predicted to cause loss of normal protein function either through protein truncation or nonsense-mediated mRNA decay. In summary, we interpret Y315X as pathogenic.

Eurofins Ntd Llc (ga)
Classification: Pathogenic. Last evaluated: 2017-02-01. Review status: criteria provided, single submitter. Criteria: EGL Classification Definitions 2015. Collection method: clinical testing. Allele origin: germline. Observed: 1 variant allele, 1 heterozygote.

Literature cited by the submitters: PubMed 16835865 (cited by Natera, Inc. and Labcorp Genetics (formerly Invitae), Labcorp); PubMed 11181649 (cited by Labcorp Genetics (formerly Invitae), Labcorp); PubMed 15359379 (cited by Labcorp Genetics (formerly Invitae), Labcorp); PubMed 22642865 (cited by Labcorp Genetics (formerly Invitae), Labcorp).

NM_020166.5(MCCC1):c.945T>A (p.Tyr315Ter)

Gene: MCCC1 (methylcrotonyl-CoA carboxylase subunit 1; minus strand). Cytogenetic location: 3q27.1.
Variant type: single nucleotide variant.
Coding change: c.945T>A on transcript NM_020166.5 (MANE Select); coding-DNA position 945, T replaced by A.
Protein change: p.Tyr315Ter; replaces tyrosine 315 with a stop codon.
Molecular consequence: nonsense. On other transcripts: non-coding transcript variant (2).
Genome position (GRCh38, 1-based): chr3:183,052,169, A>T on the plus strand (T>A on the coding strand, the complement: MCCC1 is on the minus strand). VCF-style: chr3-183052169-A-T. GRCh37 (hg19) VCF-style: chr3-182769957-A-T.
Other names: c.594T>A, p.Tyr198Ter (NM_001293273.2); c.618T>A, p.Tyr206Ter (NM_001363880.1); short protein forms Y315*, Y198*, Y206*.
Identifiers: ClinVar variation 488806 (VCV000488806.18), dbSNP rs150862707, ClinGen allele CA2718925.